The following is an entry in ClinVar:

GRCh37/hg19 7q11.23(chr7:72577021-74147166)x3

Genes: ABHD11 (abhydrolase domain containing 11; minus strand), ABHD11-AS1 (ABHD11 antisense RNA 1 (tail to tail); plus strand), BAZ1B (bromodomain adjacent to zinc finger domain 1B; minus strand), BCL7B (BAF chromatin remodeling complex subunit BCL7B; minus strand), BUD23 (BUD23 rRNA methyltransferase and ribosome maturation factor; plus strand) and 22 more. Cytogenetic location: 7q11.23.
Variant type: copy number gain.
Change: copy number 3 (three copies instead of two) of chr7:72,577,021-74,147,166 (1.57 Mb, GRCh37 coordinates, 1-based), cytogenetic band 7q11.23.
Identifiers: ClinVar variation 563398 (VCV000563398.3).

ClinVar aggregate classification (germline): Pathogenic (1 of 4 stars; one submission).

Submission:

Quest Diagnostics Nichols Institute San Juan Capistrano
Classification: Pathogenic. Last evaluated: 2023-07-09. Review status: criteria provided, single submitter. Criteria: ACMG/ClinGen CNV Guidelines, 2019. Collection method: clinical testing. Allele origin: unknown.
Comment: This copy number gain is consistent with the 7q11.23 recurrent region, triplosensitivity of which is associated with 7q11.23 duplication syndrome (ISCA-37392; OMIM 609757), for which variable expressivity is noted (Mervis et al., GeneReviews. [2021 Mar 25] PMID: 26610320; Sanders et al., Neuron. 2011 Jun 9;70(5):863-85. PMID: 21658581). Thus, this CNV is classified as pathogenic.